The following is an entry in ClinVar:

NC_000004.11:g.(6293725_6296767)_(6304993_?)dup

Gene: WFS1 (wolframin ER transmembrane glycoprotein; plus strand). Cytogenetic location: 4p16.1.
Variant type: Duplication.
Identifiers: ClinVar variation 3375171 (VCV003375171.1).

ClinVar aggregate classification (germline): Uncertain significance (1 of 4 stars; one submission).

Submission:

Women's Health and Genetics/Laboratory Corporation of America, LabCorp
Classification: Uncertain significance. Last evaluated: 2024-09-30. Review status: criteria provided, single submitter. Criteria: LabCorp Variant Classification Summary - May 2015. Collection method: clinical testing. Allele origin: germline.
Comment: Variant summary: The variant involves the duplication of exons 7-8 in the WFS1 gene. A presumed nomenclature of c.(712+1_713-1)_(*798_?)dup has been designated for the purposes of this classification. The exact breakpoint at the 3' end of this variant is unknown, therefore this duplication may extend downstream of the annotated region of the gene. As it duplicates the termination codon, its effect on the encoded protein is unknown. The variant was absent in 21694 control chromosomes (gnomAD Structural Variants dataset). The available data on variant occurrences in the general population are insufficient to allow any conclusion about variant significance. To our knowledge, no occurrence of c.(712+1_713-1)_(*798_?)dup in individuals affected with Wolfram Syndrome 1 and no experimental evidence demonstrating its impact on protein function have been reported. No submitters have cited clinical-significance assessments for this variant to ClinVar. Based on the evidence outlined above, the variant was classified as uncertain significance.